The following is an entry in ClinVar:

NM_001330260.2(SCN8A):c.4472C>T (p.Ala1491Val)

Gene: SCN8A (sodium voltage-gated channel alpha subunit 8; plus strand). Cytogenetic location: 12q13.13.
Variant type: single nucleotide variant.
Coding change: c.4472C>T on transcript NM_001330260.2 (MANE Select); coding-DNA position 4472, C replaced by T.
Protein change: p.Ala1491Val; replaces alanine 1491 with valine.
Molecular consequence: missense variant.
Genome position (GRCh38, 1-based): chr12:51,790,450, C>T. VCF-style: chr12-51790450-C-T. GRCh37 (hg19) VCF-style: chr12-52184234-C-T.
Other names: p.A1491V:GCC>GTC; c.4349C>T, p.Ala1450Val (NM_001177984.3, NM_001369788.1); c.4472C>T, p.Ala1491Val (NM_014191.4); short protein forms A1491V, A1450V.
Identifiers: ClinVar variation 207123 (VCV000207123.7), dbSNP rs796053220, ClinGen allele CA318284.

ClinVar aggregate classification (germline): Pathogenic. Review status: criteria provided, single submitter (1 of 4 stars). 2 submissions from 2 submitters: Pathogenic (1). 1 of the submissions does not count toward it. Last evaluated 2023-09-10.

Conditions:
Seizures, benign familial infantile, 5 (BFIS5). Also called: CONVULSIONS, BENIGN FAMILIAL INFANTILE, 5. Identifiers: Orphanet 306, MedGen C4310728, MONDO:0014903, OMIM 617080.

Submissions (3):

GeneDx
Classification: Pathogenic. Last evaluated: 2023-09-10. Review status: criteria provided, single submitter. Criteria: GeneDx Variant Classification Process June 2021. Collection method: clinical testing. Allele origin: germline. Affected: yes.
Comment: In silico analysis supports that this missense variant has a deleterious effect on protein structure/function; Missense variants in this gene are often considered pathogenic (HGMD); Not observed at significant frequency in large population cohorts (gnomAD); This variant is associated with the following publications: (PMID: 32090326, 26029160, 31402610, 30171078, 24077912)

Center of Excellence for Medical Genomics, Chulalongkorn University
Classification: Pathogenic for Seizures, benign familial infantile, 5. Last evaluated: 2002-09-08. Review status: no assertion criteria provided. Collection method: research. Allele origin: de novo. Affected: yes. Not counted in ClinVar's aggregate classification.

Channelopathy-Associated Epilepsy Research Center
No classification provided (evidence only). Condition: Complex neurodevelopmental disorder. Review status: no classification provided. Collection method: literature only. Allele origin: not applicable. Functional consequence: Normal peak current, Moderate hyperpolarizing shift of voltage dependence of activation, Normal slope of activation, Severe increase in persistent current, Moderate slowing of fast inactivation, Overall gain-of-function effect with respect to biophysical channel activity. Not counted in ClinVar's aggregate classification.
ClinVar note: "not provided" was previously submitted as the classification for the variant. However, the classification appeared to be based only on an observation of functional data so it was converted to no classification on 2025-07-30.

Literature cited by the submitters: PubMed 31402610 (cited by Channelopathy-Associated Epilepsy Research Center).